The following is an entry in ClinVar:

NM_004686.5(MTMR7):c.1036G>A (p.Ala346Thr)

Genes: MTMR7 (myotubularin related protein 7; minus strand), VPS37A (VPS37A subunit of ESCRT-I; plus strand). Cytogenetic location: 8p22.
Variant type: single nucleotide variant.
Coding change: c.1036G>A on transcript NM_004686.5 (MANE Select); coding-DNA position 1036, G replaced by A.
Protein change: p.Ala346Thr; replaces alanine 346 with threonine.
Molecular consequence: missense variant. On other transcripts: intron variant (2).
Genome position (GRCh38, 1-based): chr8:17,311,576, C>T on the plus strand (G>A on the coding strand, the complement: MTMR7 is on the minus strand). VCF-style: chr8-17311576-C-T. GRCh37 (hg19) VCF-style: chr8-17169085-C-T.
Other names: c.*1-18694C>T (NM_001363172.2, NM_001363173.2); short protein forms A346T.
Identifiers: ClinVar variation 3035557 (VCV003035557.2), dbSNP rs140535945, ClinGen allele CA4644023.

ClinVar aggregate classification (germline): Likely benign (0 of 4 stars; one submission).

Conditions:
MTMR7-related disorder. Also called: MTMR7-related condition.

Allele frequency attached by ClinVar (database versions not stated): gnomAD 0.00030; TOPMed 0.00034; 1000 Genomes Project 0.00100; ExAC 0.00066; 1000 Genomes Project 30x 0.00125; ESP Exome Variant Server 0.00038.
gnomAD v4.1: 590 of 1,614,142 alleles (0.037%); highest among the groups gnomAD compares: South Asian, 0.36%; 5 homozygotes.

Submission:

PreventionGenetics, part of Exact Sciences
Classification: Likely benign for MTMR7-related condition. Last evaluated: 2022-11-22. Review status: no assertion criteria provided. Collection method: clinical testing. Allele origin: germline.
Comment: This variant is classified as likely benign based on ACMG/AMP sequence variant interpretation guidelines (Richards et al. 2015 PMID: 25741868, with internal and published modifications).